The following is an entry in ClinVar:

NM_000540.3(RYR1):c.3618C>G (p.Asp1206Glu)

Gene: RYR1 (ryanodine receptor 1; plus strand). Cytogenetic location: 19q13.2.
Variant type: single nucleotide variant.
Coding change: c.3618C>G on transcript NM_000540.3 (MANE Select); coding-DNA position 3618, C replaced by G.
Protein change: p.Asp1206Glu; replaces aspartic acid 1206 with glutamic acid.
Molecular consequence: missense variant.
Genome position (GRCh38, 1-based): chr19:38,469,366, C>G. VCF-style: chr19-38469366-C-G. GRCh37 (hg19) VCF-style: chr19-38960006-C-G.
Other names: c.3618C>G, p.Asp1206Glu (NM_001042723.2); short protein forms D1206E.
Identifiers: ClinVar variation 1910196 (VCV001910196.6), dbSNP rs191970833, ClinGen allele CA065048.

ClinVar aggregate classification (germline): Uncertain significance. Review status: criteria provided, multiple submitters, no conflicts (2 of 4 stars). 3 submissions from 3 submitters: Uncertain significance (3). Last evaluated 2024-04-25.

Conditions:
RYR1-related disorder. Also called: RYR1-related disorders; RYR1-related condition. Identifiers: MedGen CN239331.
Malignant hyperthermia, susceptibility to, 1 (MHS1). Also called: Anesthesia related hyperthermia; Malignant hyperpyrexia; Fulminating hyperpyrexia; Pharmacogenic myopathy; RYR1-Related Malignant Hyperthermia Susceptibility; Malignant hyperthermia suceptibility 1. Identifiers: Orphanet 423, MedGen C2930980, MONDO:0007783, OMIM 145600.

gnomAD v4.1: 34 of 1,613,974 alleles (0.0021%); highest among the groups gnomAD compares: Non-Finnish European, 0.0028%; no homozygotes.

Submissions (3):

Color Diagnostics, LLC DBA Color Health
Classification: Uncertain significance for Malignant hyperthermia, susceptibility to, 1. Last evaluated: 2024-04-25. Review status: criteria provided, single submitter. Criteria: ACMG Guidelines, 2015. Collection method: clinical testing. Allele origin: germline.
Comment: This missense variant replaces aspartic acid with glutamic acid at codon 1206 of the RYR1 protein. Computational prediction suggests that this variant may not impact protein structure and function. To our knowledge, functional studies have not been reported for this variant. This variant has not been reported in individuals affected with RYR1-related disorders in the literature. This variant has been identified in 3/251432 chromosomes in the general population by the Genome Aggregation Database (gnomAD). The available evidence is insufficient to determine the role of this variant in disease conclusively. Therefore, this variant is classified as a Variant of Uncertain Significance.

Labcorp Genetics (formerly Invitae), Labcorp
Classification: Uncertain significance for RYR1-related disorder. Last evaluated: 2022-07-24. Review status: criteria provided, single submitter. Criteria: Invitae Variant Classification Sherloc (09022015). Collection method: clinical testing. Allele origin: germline.
Comment: This sequence change replaces aspartic acid, which is acidic and polar, with glutamic acid, which is acidic and polar, at codon 1206 of the RYR1 protein (p.Asp1206Glu). This variant is present in population databases (rs191970833, gnomAD 0.003%). This variant has not been reported in the literature in individuals affected with RYR1-related conditions. Advanced modeling of protein sequence and biophysical properties (such as structural, functional, and spatial information, amino acid conservation, physicochemical variation, residue mobility, and thermodynamic stability) performed at Invitae indicates that this missense variant is not expected to disrupt RYR1 protein function. Algorithms developed to predict the effect of sequence changes on RNA splicing suggest that this variant may create or strengthen a splice site. In summary, the available evidence is currently insufficient to determine the role of this variant in disease. Therefore, it has been classified as a Variant of Uncertain Significance.

Revvity Omics, Revvity
Classification: Uncertain significance. Last evaluated: 2022-03-29. Review status: criteria provided, single submitter. Criteria: ACMG Guidelines, 2015. Collection method: clinical testing. Allele origin: germline.